The following is an entry in ClinVar:

ClinVar aggregate classification (germline): Uncertain significance (1 of 4 stars; one submission).

Allele frequency attached by ClinVar (database versions not stated): gnomAD 0.00002; TOPMed 0.00002.

Submission:

Labcorp Genetics (formerly Invitae), Labcorp
Classification: Uncertain significance. Last evaluated: 2021-12-02. Review status: criteria provided, single submitter. Criteria: Invitae Variant Classification Sherloc (09022015). Collection method: clinical testing. Allele origin: germline.
Comment: This sequence change replaces glycine, which is neutral and non-polar, with alanine, which is neutral and non-polar, at codon 18 of the COQ7 protein (p.Gly18Ala). In summary, the available evidence is currently insufficient to determine the role of this variant in disease. Therefore, it has been classified as a Variant of Uncertain Significance. Algorithms developed to predict the effect of missense changes on protein structure and function (SIFT, PolyPhen-2, Align-GVGD) all suggest that this variant is likely to be tolerated. This variant has not been reported in the literature in individuals affected with COQ7-related conditions. This variant is present in population databases (no rsID available, gnomAD 0.002%).

NM_016138.5(COQ7):c.53G>C (p.Gly18Ala)

Genes: COQ7 (coenzyme Q7, hydroxylase; plus strand), LOC130058587 (ATAC-STARR-seq lymphoblastoid silent region 7240; plus strand). Cytogenetic location: 16p12.3.
Variant type: single nucleotide variant.
Coding change: c.53G>C on transcript NM_016138.5 (MANE Select); coding-DNA position 53, G replaced by C.
Protein change: p.Gly18Ala; replaces glycine 18 with alanine.
Molecular consequence: missense variant. On other transcripts: non-coding transcript variant (2).
Genome position (GRCh38, 1-based): chr16:19,067,717, G>C. VCF-style: chr16-19067717-G-C. GRCh37 (hg19) VCF-style: chr16-19079039-G-C.
Other names: c.53G>C, p.Gly18Ala (NM_001370490.1); short protein forms G18A.
Identifiers: ClinVar variation 1524273 (VCV001524273.6), dbSNP rs749623475, ClinGen allele CA278713708.